The following is an entry in ClinVar:

ClinVar aggregate classification (germline): Uncertain significance (1 of 4 stars; one submission).

gnomAD v4.1: 1 of 1,613,638 alleles (0.000062%); highest among the groups gnomAD compares: Middle Eastern, 0.016%; no homozygotes.

Submission:

Dasa
Classification: Uncertain significance. Last evaluated: 2025-08-10. Review status: criteria provided, single submitter. Criteria: DASA Assertion Criteria. Collection method: clinical testing. Allele origin: germline.
Comment: NM_001278064.2(GRM1):c.2963C>T (p.Thr988Ile) is a missense variant that results in the substitution of threonine with isoleucine. This variant is rare in population databases. The currently available literature and clinical evidence are not sufficient to establish a definitive association between this variant and the reported condition. Therefore, this variant is classified as a variant of uncertain significance.

NM_001278064.2(GRM1):c.2963C>T (p.Thr988Ile)

Gene: GRM1 (glutamate metabotropic receptor 1; plus strand). Cytogenetic location: 6q24.3.
Variant type: single nucleotide variant.
Coding change: c.2963C>T on transcript NM_001278064.2 (MANE Select); coding-DNA position 2963, C replaced by T.
Protein change: p.Thr988Ile; replaces threonine 988 with isoleucine.
Molecular consequence: missense variant. On other transcripts: 3 prime UTR variant (3).
Genome position (GRCh38, 1-based): chr6:146,434,174, C>T. VCF-style: chr6-146434174-C-T. GRCh37 (hg19) VCF-style: chr6-146755310-C-T.
Other names: c.*327C>T (NM_001278065.2); c.*292C>T (NM_001278066.1); c.*201C>T (NM_001278067.1); short protein forms T988I.
Identifiers: ClinVar variation 4881236 (VCV004881236.2).